The following is an entry in ClinVar:

ClinVar aggregate classification (germline): Likely benign. Review status: criteria provided, multiple submitters, no conflicts (2 of 4 stars). 6 submissions from 6 submitters: Likely benign (6). Last evaluated 2025-10-23.

Conditions:
MPV17-related disorder. Also called: MPV17-related condition; MPV17-related disorders. Identifiers: MedGen CN239328.

Allele frequency attached by ClinVar (database versions not stated): ExAC 0.00001; gnomAD 0.00002; gnomAD exomes 0.00004; TOPMed 0.00005.
gnomAD v4.1: 35 of 1,613,980 alleles (0.0022%); highest among the groups gnomAD compares: Admixed American, 0.015%; no homozygotes.

Submissions (6):

Labcorp Genetics (formerly Invitae), Labcorp
Classification: Likely benign. Last evaluated: 2025-10-23. Review status: criteria provided, single submitter. Criteria: Invitae Variant Classification Sherloc (09022015). Collection method: clinical testing. Allele origin: germline.

Women's Health and Genetics/Laboratory Corporation of America, LabCorp
Classification: Likely benign. Last evaluated: 2025-10-10. Review status: criteria provided, single submitter. Criteria: LabCorp Variant Classification Summary - May 2015. Collection method: clinical testing. Allele origin: germline.

PreventionGenetics, part of Exact Sciences
Classification: Likely benign for MPV17-related condition. Last evaluated: 2025-01-10. Review status: criteria provided, single submitter. Criteria: ACMG Guidelines, 2015. Collection method: clinical testing. Allele origin: germline.
Comment: This variant is classified as likely benign based on ACMG/AMP sequence variant interpretation guidelines (Richards et al. 2015 PMID: 25741868, with internal and published modifications).

Blueprint Genetics
Classification: Likely benign. Last evaluated: 2023-04-14. Review status: criteria provided, single submitter. Criteria: ACMG Guidelines, 2015. Collection method: clinical testing. Allele origin: germline.

GeneDx
Classification: Likely benign. Last evaluated: 2016-04-06. Review status: criteria provided, single submitter. Criteria: GeneDx Variant Classification (06012015). Collection method: clinical testing. Allele origin: germline. Affected: yes.
Comment: This variant is considered likely benign or benign based on one or more of the following criteria: it is a conservative change, it occurs at a poorly conserved position in the protein, it is predicted to be benign by multiple in silico algorithms, and/or has population frequency not consistent with disease.

Breakthrough Genomics
Classification: Likely benign. Review status: criteria provided, single submitter. Criteria: ACMG Guidelines, 2015. Collection method: not provided. Allele origin: germline. Inheritance: Autosomal recessive inheritance. Affected: yes.

NM_002437.5(MPV17):c.294G>A (p.Pro98=)

Gene: MPV17 (mitochondrial inner membrane protein MPV17; minus strand). Cytogenetic location: 2p23.3.
Variant type: single nucleotide variant.
Coding change: c.294G>A on transcript NM_002437.5 (MANE Select); coding-DNA position 294, G replaced by A.
Protein change: p.Pro98=; no amino-acid change (proline 98 retained).
Molecular consequence: synonymous variant.
Genome position (GRCh38, 1-based): chr2:27,312,575, C>T on the plus strand (G>A on the coding strand, the complement: MPV17 is on the minus strand). VCF-style: chr2-27312575-C-T. GRCh37 (hg19) VCF-style: chr2-27535442-C-T.
Identifiers: ClinVar variation 384892 (VCV000384892.13), dbSNP rs747567003, ClinGen allele CA1575593.
Genomic context (GRCh38, chr2:27,312,575, plus strand): 5'-GTCCTGGGCTGACAGTCCATTAAGTGCCCCTACCAGTGGGAGAAAGCAGCCTAGAAAACA[C>T]GGGGCAAAGCCCCCCTAGGGAAGAGAAATTAAAGTCCTATGAGTGCTGAAATCCCCACCT-3'
Protein context (NP_002428.1, residues 88-108): KMLLDQGGFA[Pro98=]CFLGCFLPLV